The following is an entry in ClinVar:

ClinVar aggregate classification (germline): Uncertain significance (1 of 4 stars; one submission).

gnomAD v4.1: 1 of 1,557,326 alleles (0.000064%); highest among the groups gnomAD compares: Non-Finnish European, 0.000087%; no homozygotes.

Submission:

Women's Health and Genetics/Laboratory Corporation of America, LabCorp
Classification: Uncertain significance. Last evaluated: 2026-01-06. Review status: criteria provided, single submitter. Criteria: LabCorp Variant Classification Summary - May 2015. Collection method: clinical testing. Allele origin: germline.
Comment: Variant summary: SH3BP2 c.*9C>G is located in the untranslated mRNA region downstream of the termination codon. The frequency data for this variant in gnomAD is considered unreliable, as metrics indicate poor data quality at this position. To our knowledge, no occurrence of c.*9C>G in individuals affected with SH3BP2-related conditions and no experimental evidence demonstrating its impact on protein function have been reported. No submitters have cited clinical-significance assessments for this variant to ClinVar. Based on the evidence outlined above, the variant was classified as uncertain significance.

NM_001122681.2(SH3BP2):c.*9C>G

Gene: SH3BP2 (SH3 domain binding protein 2; plus strand). Cytogenetic location: 4p16.3.
Variant type: single nucleotide variant.
Coding change: c.*9C>G on transcript NM_001122681.2 (MANE Select); 9 bases downstream of the stop codon, C replaced by G.
Molecular consequence: 3 prime UTR variant.
Genome position (GRCh38, 1-based): chr4:2,833,843, C>G. VCF-style: chr4-2833843-C-G. GRCh37 (hg19) VCF-style: chr4-2835570-C-G.
Other names: c.*9C>G (NM_001145855.2, NM_001145856.2, NM_003023.4).
Identifiers: ClinVar variation 4689605 (VCV004689605.1).